The following is an entry in ClinVar:

NM_024757.5(EHMT1):c.3046C>G (p.Arg1016Gly)

Gene: EHMT1 (euchromatic histone lysine methyltransferase 1; plus strand). Cytogenetic location: 9q34.3.
Variant type: single nucleotide variant.
Coding change: c.3046C>G on transcript NM_024757.5 (MANE Select); coding-DNA position 3046, C replaced by G.
Protein change: p.Arg1016Gly; replaces arginine 1016 with glycine.
Molecular consequence: missense variant.
Genome position (GRCh38, 1-based): chr9:137,813,396, C>G. VCF-style: chr9-137813396-C-G. GRCh37 (hg19) VCF-style: chr9-140707848-C-G.
Other names: c.3025C>G, p.Arg1009Gly (NM_001354263.2); short protein forms R1009G, R1016G.
Identifiers: ClinVar variation 3660197 (VCV003660197.2).

ClinVar aggregate classification (germline): Uncertain significance (1 of 4 stars; one submission).

Conditions:
Kleefstra syndrome 1 (KLEFS1). Identifiers: Orphanet 261494, MedGen C0795833, MONDO:0027407, OMIM 610253.

Submission:

Labcorp Genetics (formerly Invitae), Labcorp
Classification: Uncertain significance for Kleefstra syndrome 1. Last evaluated: 2024-07-30. Review status: criteria provided, single submitter. Criteria: Invitae Variant Classification Sherloc (09022015). Collection method: clinical testing. Allele origin: germline.
Comment: This sequence change replaces arginine, which is basic and polar, with glycine, which is neutral and non-polar, at codon 1016 of the EHMT1 protein (p.Arg1016Gly). This variant is not present in population databases (gnomAD no frequency). This variant has not been reported in the literature in individuals affected with EHMT1-related conditions. Advanced modeling of protein sequence and biophysical properties (such as structural, functional, and spatial information, amino acid conservation, physicochemical variation, residue mobility, and thermodynamic stability) performed at Invitae indicates that this missense variant is not expected to disrupt EHMT1 protein function with a negative predictive value of 80%. In summary, the available evidence is currently insufficient to determine the role of this variant in disease. Therefore, it has been classified as a Variant of Uncertain Significance.